The following is an entry in ClinVar:

ClinVar aggregate classification (germline): Uncertain significance. Review status: criteria provided, multiple submitters, no conflicts (2 of 4 stars). 3 submissions from 3 submitters: Uncertain significance (2). 1 of the submissions does not count toward it. Last evaluated 2022-01-03.

Conditions:
Vitamin D-dependent rickets type II with alopecia (VDDR2A). Also called: GENERALIZED RESISTANCE TO 1,25-DIHYDROXYVITAMIN D; HYPOCALCEMIC VITAMIN D-RESISTANT RICKETS; PDDR IIA; PSEUDOVITAMIN D-DEFICIENCY, TYPE IIA; RICKETS, HEREDITARY VITAMIN D-RESISTANT; RICKETS-ALOPECIA SYNDROME. Identifiers: Orphanet 93160, MedGen C0342646, MONDO:0010186, OMIM 277440.

Allele frequency attached by ClinVar (database versions not stated): ExAC 0.00002; gnomAD 0.00004 and 0.00003; gnomAD exomes 0.00002; TOPMed 0.00002.
gnomAD v4.1: 76 of 1,613,632 alleles (0.0047%); highest among the groups gnomAD compares: Non-Finnish European, 0.0063%; no homozygotes.

Submissions (3):

Labcorp Genetics (formerly Invitae), Labcorp
Classification: Uncertain significance. Last evaluated: 2022-01-03. Review status: criteria provided, single submitter. Criteria: Invitae Variant Classification Sherloc (09022015). Collection method: clinical testing. Allele origin: germline.
Comment: This sequence change replaces isoleucine, which is neutral and non-polar, with valine, which is neutral and non-polar, at codon 87 of the VDR protein (p.Ile87Val). This variant is present in population databases (rs387907555, gnomAD 0.006%). This variant has not been reported in the literature in individuals affected with VDR-related conditions. ClinVar contains an entry for this variant (Variation ID: 64425). Algorithms developed to predict the effect of missense changes on protein structure and function are either unavailable or do not agree on the potential impact of this missense change (SIFT: "Deleterious"; PolyPhen-2: "Possibly Damaging"; Align-GVGD: "Class C0"). In summary, the available evidence is currently insufficient to determine the role of this variant in disease. Therefore, it has been classified as a Variant of Uncertain Significance.

Fulgent Genetics
Classification: Uncertain significance for Vitamin D-dependent rickets type II with alopecia. Last evaluated: 2021-07-08. Review status: criteria provided, single submitter. Criteria: ACMG Guidelines, 2015. Collection method: clinical testing. Allele origin: unknown.

Martin Pollak Laboratory,  Beth Israel Deaconess Medical Center
Classification: Uncertain significance. Review status: no assertion criteria provided. Collection method: not provided. Allele origin: unknown. Not counted in ClinVar's aggregate classification.
Comment: Lower UCa2+ group
ClinVar note: Converted during submission from unknown to Uncertain significance.

NM_000376.3(VDR):c.259A>G (p.Ile87Val)

Gene: VDR (vitamin D receptor; minus strand). Cytogenetic location: 12q13.11.
Variant type: single nucleotide variant.
Coding change: c.259A>G on transcript NM_000376.3 (MANE Select); coding-DNA position 259, A replaced by G.
Protein change: p.Ile87Val; replaces isoleucine 87 with valine.
Molecular consequence: missense variant.
Genome position (GRCh38, 1-based): chr12:47,865,065, T>C on the plus strand (A>G on the coding strand, the complement: VDR is on the minus strand). VCF-style: chr12-47865065-T-C. GRCh37 (hg19) VCF-style: chr12-48258848-T-C.
Other names: c.259A>G, p.Ile87Val (NM_001017535.2, NM_001364085.2, NM_001374661.1 and 1 more transcripts); c.409A>G, p.Ile137Val (NM_001017536.2); short protein forms I87V, I137V.
Identifiers: ClinVar variation 64425 (VCV000064425.6), dbSNP rs387907555, ClinGen allele CA216113.